The following is an entry in ClinVar:

NM_002496.4(NDUFS8):c.307C>T (p.Arg103Trp)

Gene: NDUFS8 (NADH:ubiquinone oxidoreductase core subunit S8; plus strand). Cytogenetic location: 11q13.2.
Variant type: single nucleotide variant.
Coding change: c.307C>T on transcript NM_002496.4 (MANE Select); coding-DNA position 307, C replaced by T.
Protein change: p.Arg103Trp; replaces arginine 103 with tryptophan.
Molecular consequence: missense variant.
Genome position (GRCh38, 1-based): chr11:68,033,218, C>T. VCF-style: chr11-68033218-C-T. GRCh37 (hg19) VCF-style: chr11-67800685-C-T.
Other names: c.307C>T (NM_002496.3); short protein forms R103W.
Identifiers: ClinVar variation 2084627 (VCV002084627.11), dbSNP rs867723941, ClinGen allele CA224241657.

ClinVar aggregate classification (germline): Conflicting classifications of pathogenicity. Review status: criteria provided, conflicting classifications (1 of 4 stars). 5 submissions from 5 submitters: Likely pathogenic (1); Uncertain significance (4). Last evaluated 2026-02-13.

Conditions:
Inborn genetic diseases. Identifiers: MedGen C0950123, MeSH D030342.
Mitochondrial complex I deficiency, nuclear type 2. Also called: Mitochondrial complex 1 deficiency, nuclear type 2. Identifiers: MedGen C4748737, MONDO:0032606, OMIM 618222.

Allele frequency attached by ClinVar (database versions not stated): gnomAD exomes below 0.00001; gnomAD 0.00001; TOPMed 0.00001.
gnomAD v4.1: 7 of 1,611,818 alleles (0.00043%); highest among the groups gnomAD compares: Non-Finnish European, 0.00051%; no homozygotes.

Submissions (5):

OLLIN Analises Genomicas, OLLIN
Classification: Uncertain significance for Mitochondrial complex I deficiency, nuclear type 2. Last evaluated: 2026-02-13. Review status: criteria provided, single submitter. Criteria: ACMG Guidelines 2015 PMID 25741868. Collection method: clinical testing. Allele origin: germline. Observed: 1 variant allele.
Comment: PM2_P, PP3

Ambry Genetics
Classification: Uncertain significance for Inborn genetic diseases. Last evaluated: 2025-06-03. Review status: criteria provided, single submitter. Criteria: Ambry Variant Classification Scheme 2023. Collection method: clinical testing. Allele origin: germline.

Labcorp Genetics (formerly Invitae), Labcorp
Classification: Uncertain significance. Last evaluated: 2024-10-23. Review status: criteria provided, single submitter. Criteria: Invitae Variant Classification Sherloc (09022015). Collection method: clinical testing. Allele origin: germline.
Comment: This sequence change replaces arginine, which is basic and polar, with tryptophan, which is neutral and slightly polar, at codon 103 of the NDUFS8 protein (p.Arg103Trp). The frequency data for this variant in the population databases is considered unreliable, as metrics indicate poor data quality at this position in the gnomAD database. This variant has not been reported in the literature in individuals affected with NDUFS8-related conditions. ClinVar contains an entry for this variant (Variation ID: 2084627). An algorithm developed to predict the effect of missense changes on protein structure and function (PolyPhen-2) suggests that this variant is likely to be disruptive. In summary, the available evidence is currently insufficient to determine the role of this variant in disease. Therefore, it has been classified as a Variant of Uncertain Significance.

Blueprint Genetics
Classification: Uncertain significance. Last evaluated: 2024-03-06. Review status: criteria provided, single submitter. Criteria: ACMG Guidelines, 2015. Collection method: clinical testing. Allele origin: germline.

Laboratory of Inherited Metabolic Diseases, Research centre for medical genetics
Classification: Likely pathogenic for Mitochondrial complex I deficiency, nuclear type 2. Last evaluated: 2023-01-31. Review status: criteria provided, single submitter. Criteria: ACMG Guidelines, 2015. Collection method: clinical testing. Allele origin: maternal. Inheritance: Autosomal recessive inheritance. Affected: yes. Observed: 1 variant allele.